The following is an entry in ClinVar:

ClinVar aggregate classification (germline): Uncertain significance (1 of 4 stars; one submission).

Conditions:
Cystic fibrosis (CF). Also called: MUCOVISCIDOSIS. Identifiers: Orphanet 586, MedGen C0010674, MONDO:0009061, OMIM 219700. Disease mechanism: loss of function.

Allele frequency attached by ClinVar (database versions not stated): TOPMed below 0.00001.

Submission:

Ambry Genetics
Classification: Uncertain significance for Cystic fibrosis. Last evaluated: 2025-06-06. Review status: criteria provided, single submitter. Criteria: Ambry Variant Classification Scheme 2023. Collection method: clinical testing. Allele origin: germline.
Comment: The p.L1143S variant (also known as c.3428T>C), located in coding exon 21 of the CFTR gene, results from a T to C substitution at nucleotide position 3428. The leucine at codon 1143 is replaced by serine, an amino acid with dissimilar properties. This amino acid position is not well conserved in available vertebrate species. In addition, this alteration is predicted to be deleterious by in silico analysis. Based on the available evidence, the clinical significance of this variant remains unclear.

NM_000492.4(CFTR):c.3428T>C (p.Leu1143Ser)

Genes: CFTR-AS2 (CFTR antisense RNA 2; minus strand), CFTR (CF transmembrane conductance regulator; plus strand). Cytogenetic location: 7q31.2.
Variant type: single nucleotide variant.
Coding change: c.3428T>C on transcript NM_000492.4 (MANE Select); coding-DNA position 3428, T replaced by C.
Protein change: p.Leu1143Ser; replaces leucine 1143 with serine.
Molecular consequence: missense variant.
Genome position (GRCh38, 1-based): chr7:117,614,673, T>C. VCF-style: chr7-117614673-T-C. GRCh37 (hg19) VCF-style: chr7-117254727-T-C.
Other names: short protein forms L1143S.
Identifiers: ClinVar variation 1731325 (VCV001731325.3), dbSNP rs1235118844, ClinGen allele CA368993563.